The following is an entry in ClinVar:

NM_014915.3(ANKRD26):c.79G>C (p.Gly27Arg)

Genes: ANKRD26 (ankyrin repeat domain 26; minus strand), LOC130003554 (ATAC-STARR-seq lymphoblastoid silent region 2243; plus strand). Cytogenetic location: 10p12.1.
Variant type: single nucleotide variant.
Coding change: c.79G>C on transcript NM_014915.3 (MANE Select); coding-DNA position 79, G replaced by C.
Protein change: p.Gly27Arg; replaces glycine 27 with arginine.
Molecular consequence: missense variant.
Genome position (GRCh38, 1-based): chr10:27,100,248, C>G on the plus strand (G>C on the coding strand, the complement: ANKRD26 is on the minus strand). VCF-style: chr10-27100248-C-G. GRCh37 (hg19) VCF-style: chr10-27389177-C-G.
Other names: c.79G>C, p.Gly27Arg (NM_001256053.2); short protein forms G27R.
Identifiers: ClinVar variation 2885491 (VCV002885491.4), dbSNP rs749308690, ClinGen allele CA376369892.
Genomic context (GRCh38, chr10:27,100,248, plus strand): 5'-GATCTCGGTCTCGGACGTGGTAGCCGGGCTGCGAGTAGGCGCCCTCCCCCGGCTCGCCCC[C>G]GCCTCCCGCGCTGCTCCTCTGCCGCCGCGCGAAGGAGCCCAAGGGCGACTCGCCCTTCTT-3'
Protein context (NP_055730.2, residues 17-37): ARRQRSSAGG[Gly27Arg]GEPGEGAYSQ

ClinVar aggregate classification (germline): Uncertain significance. Review status: criteria provided, multiple submitters, no conflicts (2 of 4 stars). 2 submissions from 2 submitters: Uncertain significance (2). Last evaluated 2025-04-16.

Conditions:
Inborn genetic diseases. Identifiers: MedGen C0950123, MeSH D030342.

gnomAD v4.1: 6 of 1,611,426 alleles (0.00037%); highest among the groups gnomAD compares: South Asian, 0.0066%; no homozygotes.

Submissions (2):

Ambry Genetics
Classification: Uncertain significance for Inborn genetic diseases. Last evaluated: 2025-04-16. Review status: criteria provided, single submitter. Criteria: Ambry Variant Classification Scheme 2023. Collection method: clinical testing. Allele origin: germline.
Comment: The p.G27R variant (also known as c.79G>C), located in coding exon 1 of the ANKRD26 gene, results from a G to C substitution at nucleotide position 79. The glycine at codon 27 is replaced by arginine, an amino acid with dissimilar properties. This amino acid position is conserved. In addition, this alteration is predicted to be tolerated by in silico analysis. Based on the available evidence, the clinical significance of this variant remains unclear.

Labcorp Genetics (formerly Invitae), Labcorp
Classification: Uncertain significance. Last evaluated: 2023-03-16. Review status: criteria provided, single submitter. Criteria: Invitae Variant Classification Sherloc (09022015). Collection method: clinical testing. Allele origin: germline.
Comment: Algorithms developed to predict the effect of missense changes on protein structure and function output the following: SIFT: "Not Available"; PolyPhen-2: "Benign"; Align-GVGD: "Not Available". The arginine amino acid residue is found in multiple mammalian species, which suggests that this missense change does not adversely affect protein function. This sequence change replaces glycine, which is neutral and non-polar, with arginine, which is basic and polar, at codon 27 of the ANKRD26 protein (p.Gly27Arg). This variant is present in population databases (no rsID available, gnomAD 0.007%). This variant has not been reported in the literature in individuals affected with ANKRD26-related conditions. In summary, the available evidence is currently insufficient to determine the role of this variant in disease. Therefore, it has been classified as a Variant of Uncertain Significance.